The following is an entry in ClinVar:

ClinVar aggregate classification (germline): Conflicting classifications of pathogenicity. Review status: criteria provided, conflicting classifications (1 of 4 stars). 4 submissions from 4 submitters: Uncertain significance (2); Likely benign (1). 1 of the submissions does not count toward it. Last evaluated 2025-12-17.

Conditions:
COL11A1-related disorder. Also called: COL11A1-related disorders; COL11A1-related condition.
Hearing loss, autosomal dominant 37. Also called: DEAFNESS, AUTOSOMAL DOMINANT 37. Identifiers: MedGen C4760307, MONDO:0032802, OMIM 618533.
Stickler syndrome type 2 (STL2). Also called: COL11A1-Related Stickler Syndrome; STICKLER SYNDROME, BEADED VITREOUS TYPE; STICKLER SYNDROME, VITREOUS TYPE 2; STICKLER SYNDROME, TYPE II. Identifiers: Orphanet 828, Orphanet 90654, MedGen C1858084, MONDO:0011493, OMIM 604841.
Intervertebral disc disorder (IDD). Also called: INTERVERTEBRAL DISC DISEASE; Lumbar disk degenerative disorder. Identifiers: MedGen C0158252, MONDO:0044339, OMIM 603932.
Marshall syndrome (MRSHS). Identifiers: Orphanet 560, MedGen C0265235, MONDO:0007949, OMIM 154780.
Fibrochondrogenesis 1 (FBCG1). Identifiers: Orphanet 2021, MedGen C3278138, MONDO:0009226, OMIM 228520.

Allele frequency attached by ClinVar (database versions not stated): gnomAD exomes below 0.00001 and 0.00001; gnomAD 0.00001; TOPMed 0.00003.
gnomAD v4.1: 16 of 1,613,632 alleles (0.00099%); highest among the groups gnomAD compares: Non-Finnish European, 0.0014%; no homozygotes.

Submissions (4):

Labcorp Genetics (formerly Invitae), Labcorp
Classification: Likely benign. Last evaluated: 2025-12-17. Review status: criteria provided, single submitter. Criteria: Invitae Variant Classification Sherloc (09022015). Collection method: clinical testing. Allele origin: germline.

Fulgent Genetics
Classification: Uncertain significance for Marshall syndrome; Fibrochondrogenesis 1; Intervertebral disc disorder; Stickler syndrome type 2; Hearing loss, autosomal dominant 37. Last evaluated: 2021-08-12. Review status: criteria provided, single submitter. Criteria: ACMG Guidelines, 2015. Collection method: clinical testing. Allele origin: unknown.

GeneDx
Classification: Uncertain significance. Last evaluated: 2019-04-15. Review status: criteria provided, single submitter. Criteria: GeneDx Variant Classification Process June 2021. Collection method: clinical testing. Allele origin: germline. Affected: yes.
Comment: Has not been previously published as pathogenic or benign to our knowledge; Not observed at a significant frequency in large population cohorts (Lek et al., 2016); In silico analysis, which includes protein predictors and evolutionary conservation, supports that this variant does not alter protein structure/function

PreventionGenetics, part of Exact Sciences
Classification: Uncertain significance for COL11A1-related condition. Last evaluated: 2024-02-13. Review status: no assertion criteria provided. Collection method: clinical testing. Allele origin: germline. Not counted in ClinVar's aggregate classification.
Comment: The COL11A1 c.3068C>A variant is predicted to result in the amino acid substitution p.Ala1023Glu. To our knowledge, this variant has not been reported in the literature. This variant is reported in 0.00088% of alleles in individuals of European (Non-Finnish) descent in gnomAD. At this time, the clinical significance of this variant is uncertain due to the absence of conclusive functional and genetic evidence.

NM_001854.4(COL11A1):c.3068C>A (p.Ala1023Glu)

Gene: COL11A1 (collagen type XI alpha 1 chain; minus strand). Cytogenetic location: 1p21.1.
Variant type: single nucleotide variant.
Coding change: c.3068C>A on transcript NM_001854.4 (MANE Select); coding-DNA position 3068, C replaced by A.
Protein change: p.Ala1023Glu; replaces alanine 1023 with glutamic acid.
Molecular consequence: missense variant. On other transcripts: non-coding transcript variant (1).
Genome position (GRCh38, 1-based): chr1:102,962,222, G>T on the plus strand (C>A on the coding strand, the complement: COL11A1 is on the minus strand). VCF-style: chr1-102962222-G-T. GRCh37 (hg19) VCF-style: chr1-103427778-G-T.
Other names: c.2951C>A, p.Ala984Glu (NM_001190709.2); c.3104C>A, p.Ala1035Glu (NM_080629.3); c.2720C>A, p.Ala907Glu (NM_080630.4); short protein forms A1023E, A1035E, A907E, A984E.
Identifiers: ClinVar variation 1206960 (VCV001206960.11), dbSNP rs1040168773, ClinGen allele CA27693634.